The following is an entry in ClinVar:

ClinVar aggregate classification (germline): Likely pathogenic. Review status: criteria provided, multiple submitters, no conflicts (2 of 4 stars). 2 submissions from 2 submitters: Likely pathogenic (2). Last evaluated 2025-05-19.

Conditions:
COL4A5-related disorder. Also called: COL4A5-related condition.
X-linked Alport syndrome (ATS1). Also called: NEPHROPATHY AND DEAFNESS, X-LINKED; COL4A5-Related Nephropathy. Identifiers: Orphanet 63, Orphanet 88917, MedGen C4746986, MONDO:0010520, OMIM 301050.

Submissions (2):

PreventionGenetics, part of Exact Sciences
Classification: Likely pathogenic for COL4A5-related condition. Last evaluated: 2025-05-19. Review status: criteria provided, single submitter. Criteria: ACMG Guidelines, 2015. Collection method: clinical testing. Allele origin: germline.
Comment: The COL4A5 c.698G>A variant is predicted to result in the amino acid substitution p.Gly233Asp. This variant was reported in an individual with Alport syndrome (Table S3, Di et al. 2022. PubMed ID: 35020912). The p.Gly233 residue is located in the triple-helical region (residues 42 – 1456) of the COL4A5 protein. The majority of pathogenic variants in COL4A5 substitute a glycine residue to a bulkier amino acid in the triple-helical domain (Hudson et al. 1993. PubMed ID: 8253711). Other amino acid substitutions at this position (p.Gly233Ser, p.Gly233Val) have also been reported in individuals with Alport syndrome (Hertz et al. 2009. PubMed ID: 19728970; Fallerini et al. 2014. PubMed ID: 24033287). This variant has not been reported in a large population database (gnomAD), indicating this variant is rare. This variant is interpreted as likely pathogenic.

3billion
Classification: Likely pathogenic for X-linked Alport syndrome. Last evaluated: 2024-07-25. Review status: criteria provided, single submitter. Criteria: ACMG Guidelines, 2015. Collection method: clinical testing. Allele origin: germline. Affected: yes.
Comment: The variant is not observed in the gnomAD v4.0.0 dataset. Predicted Consequence/Location: The variant is located in a mutational hot spot and/or well-established functional domain in which established pathogenic variants have been reported. In silico tool predictions suggest damaging effect of the variant on gene or gene product [REVEL: 0.95 (>=0.6, sensitivity 0.68 and specificity 0.92); 3Cnet: 0.89 (>=0.6, sensitivity 0.72 and precision 0.9)]. The same nucleotide change resulting in the same amino acid change has been previously reported to be associated with COL4A5 related disorder (PMID: 35020912).Different missense changes at the same codon (p.Gly233Ala, p.Gly233Ser, p.Gly233Val) have been reported as pathogenic/likely pathogenic with strong evidence (ClinVar ID: VCV000562428, VCV000587140 /PMID: 19728970, 24033287, 30586318). Therefore, this variant is classified as Likely pathogenic according to the recommendation of ACMG/AMP guideline.

Literature cited by the submitters: PubMed 19728970 (cited by 3billion); PubMed 35020912 (cited by 3billion).

NM_033380.3(COL4A5):c.698G>A (p.Gly233Asp)

Gene: COL4A5 (collagen type IV alpha 5 chain; plus strand). Cytogenetic location: Xq22.3.
Variant type: single nucleotide variant.
Coding change: c.698G>A on transcript NM_033380.3 (MANE Select); coding-DNA position 698, G replaced by A.
Protein change: p.Gly233Asp; replaces glycine 233 with aspartic acid.
Molecular consequence: missense variant.
Genome position (GRCh38, 1-based): chrX:108,578,301, G>A. VCF-style: chrX-108578301-G-A. GRCh37 (hg19) VCF-style: chrX-107821531-G-A.
Other names: c.698G>A (NM_000495.4); c.698G>A, p.Gly233Asp (NM_000495.5); short protein forms G233D.
Identifiers: ClinVar variation 4292640 (VCV004292640.2).